The following is an entry in ClinVar:

ClinVar aggregate classification (germline): Conflicting classifications of pathogenicity. Review status: criteria provided, conflicting classifications (1 of 4 stars). 2 submissions from 2 submitters: Uncertain significance (1); Likely benign (1). Last evaluated 2024-02-21.

Conditions:
Inborn genetic diseases. Identifiers: MedGen C0950123, MeSH D030342.

Allele frequency attached by ClinVar (database versions not stated): TOPMed 0.00008.
gnomAD v4.1: 20 of 1,613,344 alleles (0.0012%); highest among the groups gnomAD compares: Admixed American, 0.013%; no homozygotes.

Submissions (2):

Ambry Genetics
Classification: Likely benign for Inborn genetic diseases. Last evaluated: 2024-02-21. Review status: criteria provided, single submitter. Criteria: Ambry Variant Classification Scheme 2023. Collection method: clinical testing. Allele origin: germline.

GeneDx
Classification: Uncertain significance. Last evaluated: 2023-01-18. Review status: criteria provided, single submitter. Criteria: GeneDx Variant Classification Process June 2021. Collection method: clinical testing. Allele origin: germline. Affected: yes.
Comment: In silico analysis supports that this missense variant does not alter protein structure/function; Has not been previously published as pathogenic or benign to our knowledge; Not observed at significant frequency in large population cohorts (gnomAD)

NM_004667.6(HERC2):c.5407G>A (p.Asp1803Asn)

Gene: HERC2 (HECT and RLD domain containing E3 ubiquitin protein ligase 2; minus strand). Cytogenetic location: 15q13.1.
Variant type: single nucleotide variant.
Coding change: c.5407G>A on transcript NM_004667.6 (MANE Select); coding-DNA position 5407, G replaced by A.
Protein change: p.Asp1803Asn; replaces aspartic acid 1803 with asparagine.
Molecular consequence: missense variant.
Genome position (GRCh38, 1-based): chr15:28,228,275, C>T on the plus strand (G>A on the coding strand, the complement: HERC2 is on the minus strand). VCF-style: chr15-28228275-C-T. GRCh37 (hg19) VCF-style: chr15-28473421-C-T.
Other names: c.5407G>A (NM_004667.4); short protein forms D1803N.
Identifiers: ClinVar variation 1317135 (VCV001317135.4), dbSNP rs758706329, ClinGen allele CA267907517.
Genomic context (GRCh38, chr15:28,228,275, plus strand): 5'-TACCAATCAGGCGCAGTGCCGTCTGCGTGAGGGCCAGCATGCCGGAATTGAGCAGAAGGT[C>T]GAGGTTGTTTGCGCCGTGCTGCAGGGTGAGCATGCTGAGCATCACCAGGAGGAAGCGGGC-3'
Protein context (NP_004658.3, residues 1793-1813): LTLQHGANNL[Asp1803Asn]LLLNSGMLAL